The following is an entry in ClinVar:

NM_000551.4(VHL):c.470C>A (p.Thr157Asn)

Genes: VHL (von Hippel-Lindau tumor suppressor; plus strand), LOC107303340 (3p25 von Hippel-Lindau tumor suppressor, E3 ubiquitin protein ligase Alu-mediated recombination region; plus strand). Cytogenetic location: 3p25.3.
Variant type: single nucleotide variant.
Coding change: c.470C>A on transcript NM_000551.4 (MANE Select); coding-DNA position 470, C replaced by A.
Protein change: p.Thr157Asn; replaces threonine 157 with asparagine.
Molecular consequence: missense variant. On other transcripts: non-coding transcript variant (1), 3 prime UTR variant (1).
Genome position (GRCh38, 1-based): chr3:10,149,793, C>A. VCF-style: chr3-10149793-C-A. GRCh37 (hg19) VCF-style: chr3-10191477-C-A.
Other names: c.*24C>A (NM_001354723.2); c.347C>A, p.Thr116Asn (NM_198156.3); short protein forms T157N, T116N.
Identifiers: ClinVar variation 4824769 (VCV004824769.1).

ClinVar aggregate classification (germline): Uncertain significance (1 of 4 stars; one submission).

Conditions:
Hereditary cancer-predisposing syndrome. Also called: Neoplastic Syndromes, Hereditary; Hereditary neoplastic syndrome; Tumor predisposition; Hereditary Cancer Syndrome. Identifiers: Orphanet 140162, MedGen C0027672, MeSH D009386, MONDO:0015356.

Submission:

Ambry Genetics
Classification: Uncertain significance for Hereditary cancer-predisposing syndrome. Last evaluated: 2026-01-15. Review status: criteria provided, single submitter. Criteria: Ambry Variant Classification Scheme 2023. Collection method: clinical testing. Allele origin: germline.
Comment: The p.T157N variant (also known as c.470C>A), located in coding exon 3 of the VHL gene, results from a C to A substitution at nucleotide position 470. The threonine at codon 157 is replaced by asparagine, an amino acid with similar properties. This amino acid position is well conserved in available vertebrate species. In addition, the in silico prediction for this alteration is inconclusive. Based on the available evidence, the clinical significance of this variant remains unclear.